The following is an entry in ClinVar:

ClinVar aggregate classification (germline): Uncertain significance. Review status: criteria provided, multiple submitters, no conflicts (2 of 4 stars). 2 submissions from 2 submitters: Uncertain significance (2). Last evaluated 2024-04-27.

Conditions:
Aortic aneurysm, familial thoracic 8 (AAT8). Identifiers: MedGen C3809513, MONDO:0014187, OMIM 615436.
Familial thoracic aortic aneurysm and aortic dissection (TAAD). Also called: Thoracic aortic aneurysms and dissections. Identifiers: Orphanet 91387, MedGen C4707243, MONDO:0019625.

Allele frequency attached by ClinVar (database versions not stated): gnomAD exomes below 0.00001; ExAC 0.00001; gnomAD 0.00001; TOPMed 0.00002.
gnomAD v4.1: 2 of 1,612,850 alleles (0.00012%); highest among the groups gnomAD compares: Admixed American, 0.0033%; no homozygotes.

Submissions (2):

Ambry Genetics
Classification: Uncertain significance for Familial thoracic aortic aneurysm and aortic dissection. Last evaluated: 2024-04-27. Review status: criteria provided, single submitter. Criteria: Ambry Variant Classification Scheme 2023. Collection method: clinical testing. Allele origin: germline.
Comment: The p.Q426R variant (also known as c.1277A>G), located in coding exon 11 of the PRKG1 gene, results from an A to G substitution at nucleotide position 1277. The glutamine at codon 426 is replaced by arginine, an amino acid with highly similar properties. This amino acid position is conserved. In addition, this alteration is predicted to be tolerated by in silico analysis. Based on the available evidence, the clinical significance of this variant remains unclear.

Labcorp Genetics (formerly Invitae), Labcorp
Classification: Uncertain significance for Aortic aneurysm, familial thoracic 8. Last evaluated: 2023-11-07. Review status: criteria provided, single submitter. Criteria: Invitae Variant Classification Sherloc (09022015). Collection method: clinical testing. Allele origin: germline.
Comment: This sequence change replaces glutamine, which is neutral and polar, with arginine, which is basic and polar, at codon 426 of the PRKG1 protein (p.Gln426Arg). The frequency data for this variant in the population databases is considered unreliable, as metrics indicate poor data quality at this position in the gnomAD database. This variant has not been reported in the literature in individuals affected with PRKG1-related conditions. An algorithm developed to predict the effect of missense changes on protein structure and function (PolyPhen-2) suggests that this variant is likely to be tolerated. In summary, the available evidence is currently insufficient to determine the role of this variant in disease. Therefore, it has been classified as a Variant of Uncertain Significance.

NM_006258.4(PRKG1):c.1277A>G (p.Gln426Arg)

Gene: PRKG1 (protein kinase cGMP-dependent 1; plus strand). Cytogenetic location: 10q21.1.
Variant type: single nucleotide variant.
Coding change: c.1277A>G on transcript NM_006258.4 (MANE Select); coding-DNA position 1277, A replaced by G.
Protein change: p.Gln426Arg; replaces glutamine 426 with arginine.
Molecular consequence: missense variant.
Genome position (GRCh38, 1-based): chr10:52,271,453, A>G. VCF-style: chr10-52271453-A-G. GRCh37 (hg19) VCF-style: chr10-54031213-A-G.
Other names: c.1232A>G, p.Gln411Arg (NM_001098512.3); c.68A>G, p.Gln23Arg (NM_001374781.1); c.1277A>G (NM_006258.3); short protein forms Q23R, Q411R, Q426R.
Identifiers: ClinVar variation 2812572 (VCV002812572.4), dbSNP rs776244797, ClinGen allele CA5503800.
Genomic context (GRCh38, chr10:52,271,453, plus strand): 5'-TTCTCAAGAAACGTCACATTGTGGACACAAGACAGCAGGAGCACATCCGCTCAGAGAAGC[A>G]GATCATGCAGGGGGCTCATTCCGATTTCATAGTGAGGTAAAGGCTCCATGCCAGGGACAG-3'
Protein context (NP_006249.1, residues 416-436): RQQEHIRSEK[Gln426Arg]IMQGAHSDFI